The following is an entry in ClinVar:

ClinVar aggregate classification (germline): Benign/Likely benign. Review status: criteria provided, multiple submitters, no conflicts (2 of 4 stars). 5 submissions from 5 submitters: Benign (3); Likely benign (2). Last evaluated 2026-03-30.

Allele frequency attached by ClinVar (database versions not stated): 1000 Genomes Project 0.00419; 1000 Genomes Project 30x 0.00422; TOPMed 0.00788; ESP Exome Variant Server 0.00946; gnomAD 0.01107 and 0.01141; gnomAD exomes 0.01123 and 0.01308; ExAC 0.01137.
gnomAD v4.1: 20,623 of 1,613,466 alleles (1.3%); highest among the groups gnomAD compares: Non-Finnish European, 1.5%; 228 homozygotes.

Submissions (5):

Women's Health and Genetics/Laboratory Corporation of America, LabCorp
Classification: Benign. Last evaluated: 2026-03-30. Review status: criteria provided, single submitter. Criteria: LabCorp Variant Classification Summary - May 2015. Collection method: clinical testing. Allele origin: germline.

Labcorp Genetics (formerly Invitae), Labcorp
Classification: Benign. Last evaluated: 2026-02-04. Review status: criteria provided, single submitter. Criteria: Invitae Variant Classification Sherloc (09022015). Collection method: clinical testing. Allele origin: germline.

Mayo Clinic Laboratories, Mayo Clinic
Classification: Benign. Last evaluated: 2023-01-24. Review status: criteria provided, single submitter. Criteria: ACMG Guidelines, 2015. Collection method: clinical testing. Allele origin: germline. Observed: 77 variant alleles.
Comment: BS1, BS2, BP4, BP7

GeneDx
Classification: Likely benign. Last evaluated: 2020-10-05. Review status: criteria provided, single submitter. Criteria: GeneDx Variant Classification Process June 2021. Collection method: clinical testing. Allele origin: germline. Affected: yes.

Breakthrough Genomics
Classification: Likely benign. Review status: criteria provided, single submitter. Criteria: ACMG Guidelines, 2015. Collection method: not provided. Allele origin: germline. Inheritance: Autosomal recessive inheritance. Affected: yes.

NM_001129.5(AEBP1):c.1019-10C>T

Gene: AEBP1 (AE binding protein 1; plus strand). Cytogenetic location: 7p13.
Variant type: single nucleotide variant.
Coding change: c.1019-10C>T on transcript NM_001129.5 (MANE Select); 10 bases into the intron before coding-DNA position 1019, C replaced by T.
Molecular consequence: intron variant.
Genome position (GRCh38, 1-based): chr7:44,109,097, C>T. VCF-style: chr7-44109097-C-T. GRCh37 (hg19) VCF-style: chr7-44148696-C-T.
Other names: p.?.
Identifiers: ClinVar variation 1216514 (VCV001216514.14), dbSNP rs117188338, ClinGen allele CA4237723.